The following is an entry in ClinVar:

NM_001041.4(SI):c.931A>G (p.Ile311Val)

Gene: SI (sucrase-isomaltase; minus strand). Cytogenetic location: 3q26.1.
Variant type: single nucleotide variant.
Coding change: c.931A>G on transcript NM_001041.4 (MANE Select); coding-DNA position 931, A replaced by G.
Protein change: p.Ile311Val; replaces isoleucine 311 with valine.
Molecular consequence: missense variant.
Genome position (GRCh38, 1-based): chr3:165,062,460, T>C on the plus strand (A>G on the coding strand, the complement: SI is on the minus strand). VCF-style: chr3-165062460-T-C. GRCh37 (hg19) VCF-style: chr3-164780248-T-C.
Other names: short protein forms I311V.
Identifiers: ClinVar variation 1396957 (VCV001396957.8), dbSNP rs148454534, ClinGen allele CA2691248.

ClinVar aggregate classification (germline): Uncertain significance (1 of 4 stars; one submission).

Allele frequency attached by ClinVar (database versions not stated): gnomAD exomes below 0.00001 and 0.00001; ExAC 0.00002; TOPMed 0.00004; gnomAD 0.00008 and 0.00009; ESP Exome Variant Server 0.00015.

Submission:

Labcorp Genetics (formerly Invitae), Labcorp
Classification: Uncertain significance. Last evaluated: 2024-11-04. Review status: criteria provided, single submitter. Criteria: Invitae Variant Classification Sherloc (09022015). Collection method: clinical testing. Allele origin: germline.
Comment: This sequence change replaces isoleucine, which is neutral and non-polar, with valine, which is neutral and non-polar, at codon 311 of the SI protein (p.Ile311Val). This variant is present in population databases (rs148454534, gnomAD 0.02%). This variant has not been reported in the literature in individuals affected with SI-related conditions. ClinVar contains an entry for this variant (Variation ID: 1396957). Invitae Evidence Modeling of protein sequence and biophysical properties (such as structural, functional, and spatial information, amino acid conservation, physicochemical variation, residue mobility, and thermodynamic stability) indicates that this missense variant is not expected to disrupt SI protein function with a negative predictive value of 95%. In summary, the available evidence is currently insufficient to determine the role of this variant in disease. Therefore, it has been classified as a Variant of Uncertain Significance.